The following is an entry in ClinVar:

ClinVar aggregate classification (germline): Uncertain significance (1 of 4 stars; one submission).

Allele frequency attached by ClinVar (database versions not stated): ExAC 0.00004; gnomAD exomes 0.00004 and 0.00008; gnomAD 0.00005; TOPMed 0.00006; ESP Exome Variant Server 0.00008.
gnomAD v4.1: 132 of 1,613,750 alleles (0.0082%); highest among the groups gnomAD compares: Non-Finnish European, 0.01%; no homozygotes.

Submission:

GeneDx
Classification: Uncertain significance. Last evaluated: 2021-01-26. Review status: criteria provided, single submitter. Criteria: GeneDx Variant Classification Process June 2021. Collection method: clinical testing. Allele origin: germline. Affected: yes.
Comment: In silico analysis, which includes protein predictors and evolutionary conservation, supports a deleterious effect; Has not been previously published as pathogenic or benign to our knowledge; This variant is associated with the following publications: (PMID: 31589614)

NM_004551.3(NDUFS3):c.424C>T (p.Arg142Cys)

Gene: NDUFS3 (NADH:ubiquinone oxidoreductase core subunit S3; plus strand). Cytogenetic location: 11p11.2.
Variant type: single nucleotide variant.
Coding change: c.424C>T on transcript NM_004551.3 (MANE Select); coding-DNA position 424, C replaced by T.
Protein change: p.Arg142Cys; replaces arginine 142 with cysteine.
Molecular consequence: missense variant.
Genome position (GRCh38, 1-based): chr11:47,582,130, C>T. VCF-style: chr11-47582130-C-T. GRCh37 (hg19) VCF-style: chr11-47603682-C-T.
Other names: short protein forms R142C.
Identifiers: ClinVar variation 427108 (VCV000427108.4), dbSNP rs146407178, ClinGen allele CA5977986.